The following is an entry in ClinVar:

NM_000038.6(APC):c.3490A>G (p.Ile1164Val)

Gene: APC (APC regulator of Wnt signaling pathway; plus strand). Cytogenetic location: 5q22.2.
Variant type: single nucleotide variant.
Coding change: c.3490A>G on transcript NM_000038.6 (MANE Select); coding-DNA position 3490, A replaced by G.
Protein change: p.Ile1164Val; replaces isoleucine 1164 with valine.
Molecular consequence: missense variant.
Genome position (GRCh38, 1-based): chr5:112,839,084, A>G. VCF-style: chr5-112839084-A-G. GRCh37 (hg19) VCF-style: chr5-112174781-A-G.
Other names: c.3490A>G, p.Ile1164Val (NM_001127510.3, NM_001354895.2); c.3436A>G, p.Ile1146Val (NM_001127511.3); c.3544A>G, p.Ile1182Val (NM_001354896.2); c.3520A>G, p.Ile1174Val (NM_001354897.2); c.3415A>G, p.Ile1139Val (NM_001354898.2); c.3406A>G, p.Ile1136Val (NM_001354899.2); c.3367A>G, p.Ile1123Val (NM_001354900.2); c.3313A>G, p.Ile1105Val (NM_001354901.2); and 5 more; short protein forms I1164V, I1146V, I1004V, I1073V, I1136V, I1182V, I1063V, I1123V.
Identifiers: ClinVar variation 485090 (VCV000485090.21), dbSNP rs1554085052, ClinGen allele CA16028993.

ClinVar aggregate classification (germline): Uncertain significance. Review status: criteria provided, multiple submitters, no conflicts (2 of 4 stars). 4 submissions from 4 submitters: Uncertain significance (4). Last evaluated 2025-09-17.

Conditions:
Familial adenomatous polyposis 1 (FAP1). Also called: FAMILIAL ADENOMATOUS POLYPOSIS 1, ATTENUATED; POLYPOSIS, ADENOMATOUS INTESTINAL. Identifiers: MedGen C2713442, MONDO:0021056, OMIM 175100. Disease mechanism: loss of function.
Hepatocellular carcinoma (HCC). Also called: Primary carcinoma of liver; HEPATOMA; LIVER CELL CARCINOMA. Identifiers: Orphanet 88673, MedGen C2239176, MONDO:0007256, OMIM 114550, HP:0001402.
Desmoid disease, hereditary (DESMD). Also called: FIBROMATOSIS, FAMILIAL INFILTRATIVE. Identifiers: Orphanet 873, MedGen C1851124, OMIM 135290. Disease mechanism: loss of function.
Gastric adenocarcinoma and proximal polyposis of the stomach (GAPPS). Also called: POLYPOSIS, GASTRIC; Gastric Adenocarcinoma and Proximal Polyposis of the Stomach (GAPPS); Polyposis, gastric, Dos Santos and de Magalhaes 1980. Identifiers: Orphanet 314022, MedGen C4749917, MONDO:0017790, OMIM 619182.
Gastric cancer. Also called: Stomach cancer; Malignant tumor of stomach. Identifiers: MedGen C0024623, MeSH D013274, MONDO:0001056, OMIM 613659, HP:0012126.
Colorectal cancer. Also called: Colorectal cancer, somatic; Malignant Colorectal Neoplasm. Identifiers: MedGen C0346629, MONDO:0005575, OMIM 114500.
Hereditary cancer-predisposing syndrome. Also called: Tumor predisposition; Hereditary neoplastic syndrome; Hereditary Cancer Syndrome; Neoplastic Syndromes, Hereditary. Identifiers: Orphanet 140162, MedGen C0027672, MeSH D009386, MONDO:0015356.

Allele frequency attached by ClinVar (database versions not stated): gnomAD exomes below 0.00001.
gnomAD v4.1: 2 of 1,614,122 alleles (0.00012%); highest among the groups gnomAD compares: Non-Finnish European, 0.000085%; no homozygotes.

Submissions (4):

Ambry Genetics
Classification: Uncertain significance for Hereditary cancer-predisposing syndrome. Last evaluated: 2025-09-17. Review status: criteria provided, single submitter. Criteria: Ambry Variant Classification Scheme 2023. Collection method: clinical testing. Allele origin: germline.
Comment: The p.I1164V variant (also known as c.3490A>G), located in coding exon 15 of the APC gene, results from an A to G substitution at nucleotide position 3490. The isoleucine at codon 1164 is replaced by valine, an amino acid with highly similar properties. This amino acid position is well conserved in available vertebrate species. In addition, in silico predictors for this gene do not accurately predict pathogenicity. Since supporting evidence is limited at this time, the clinical significance of this alteration remains unclear.

Labcorp Genetics (formerly Invitae), Labcorp
Classification: Uncertain significance for Familial adenomatous polyposis 1. Last evaluated: 2024-07-17. Review status: criteria provided, single submitter. Criteria: Invitae Variant Classification Sherloc (09022015). Collection method: clinical testing. Allele origin: germline.
Comment: This sequence change replaces isoleucine, which is neutral and non-polar, with valine, which is neutral and non-polar, at codon 1164 of the APC protein (p.Ile1164Val). This variant is not present in population databases (gnomAD no frequency). This variant has not been reported in the literature in individuals affected with APC-related conditions. ClinVar contains an entry for this variant (Variation ID: 485090). Advanced modeling of protein sequence and biophysical properties (such as structural, functional, and spatial information, amino acid conservation, physicochemical variation, residue mobility, and thermodynamic stability) performed at Invitae indicates that this missense variant is not expected to disrupt APC protein function with a negative predictive value of 95%. In summary, the available evidence is currently insufficient to determine the role of this variant in disease. Therefore, it has been classified as a Variant of Uncertain Significance.

Color Diagnostics, LLC DBA Color Health
Classification: Uncertain significance for Hereditary cancer-predisposing syndrome. Last evaluated: 2023-12-05. Review status: criteria provided, single submitter. Criteria: ACMG Guidelines, 2015. Collection method: clinical testing. Allele origin: germline.
Comment: This missense variant replaces isoleucine with valine at codon 1164 of the APC protein. Computational prediction suggests that this variant may not impact protein structure and function (internally defined REVEL score threshold <= 0.5, PMID: 27666373). To our knowledge, functional studies have not been reported for this variant. This variant has not been reported in individuals affected with APC-related disorders in the literature. This variant has not been identified in the general population by the Genome Aggregation Database (gnomAD). The available evidence is insufficient to determine the role of this variant in disease conclusively. Therefore, this variant is classified as a Variant of Uncertain Significance.

Fulgent Genetics
Classification: Uncertain significance for Colorectal cancer; Hepatocellular carcinoma; Desmoid disease, hereditary; Familial adenomatous polyposis 1; Gastric cancer; Gastric adenocarcinoma and proximal polyposis of the stomach. Last evaluated: 2022-05-13. Review status: criteria provided, single submitter. Criteria: ACMG Guidelines, 2015. Collection method: clinical testing. Allele origin: unknown.